The following is an entry in ClinVar:

NM_000124.4(ERCC6):c.2960T>C (p.Leu987Pro)

Gene: ERCC6 (ERCC excision repair 6, chromatin remodeling factor; minus strand). Cytogenetic location: 10q11.23.
Variant type: single nucleotide variant.
Coding change: c.2960T>C on transcript NM_000124.4 (MANE Select); coding-DNA position 2960, T replaced by C.
Protein change: p.Leu987Pro; replaces leucine 987 with proline.
Molecular consequence: missense variant.
Genome position (GRCh38, 1-based): chr10:49,471,085, A>G on the plus strand (T>C on the coding strand, the complement: ERCC6 is on the minus strand). VCF-style: chr10-49471085-A-G. GRCh37 (hg19) VCF-style: chr10-50679131-A-G.
Other names: c.2960T>C, p.Leu987Pro (NM_001346440.2); short protein forms L987P.
Identifiers: ClinVar variation 1712 (VCV000001712.3), dbSNP rs121917905, ClinGen allele CA115162.

ClinVar aggregate classification (germline): Uncertain significance. Review status: criteria provided, multiple submitters, no conflicts (2 of 4 stars). 3 submissions from 3 submitters: Uncertain significance (2). 1 of the submissions does not count toward it. Last evaluated 2025-09-15.

Conditions:
Cockayne spectrum with or without cerebrooculofacioskeletal syndrome. Identifiers: MedGen CN315928, MONDO:0100506.
Cerebrooculofacioskeletal syndrome 1 (COFS1). Also called: Cerebro-oculo-facio-skeletal syndrome 1. Identifiers: MedGen C0220722, MONDO:0008955, OMIM 214150.

Submissions (3):

Myriad Genetics, Inc.
Classification: Uncertain significance for Cockayne spectrum with or without cerebrooculofacioskeletal syndrome. Last evaluated: 2025-09-15. Review status: criteria provided, single submitter. Criteria: Myriad Autosomal Dominant, Autosomal Recessive and X-Linked Classification Criteria (2023). Collection method: clinical testing. Allele origin: unknown.
Comment: NM_000124.2(ERCC6):c.2960T>C(L987P) is a missense variant classified as a variant of uncertain significance in the context of ERCC6-related disorders. L987P has been observed in a case with relevant disease (PMID: 18628313). Relevant functional assessments of this variant are not available in the literature. L987P has not been observed in referenced population frequency databases. In summary, there is insufficient evidence to classify NM_000124.2(ERCC6):c.2960T>C(L987P) as pathogenic or benign. Please note: this variant was assessed in the context of healthy population screening.

Women's Health and Genetics/Laboratory Corporation of America, LabCorp
Classification: Uncertain significance. Last evaluated: 2024-12-10. Review status: criteria provided, single submitter. Criteria: LabCorp Variant Classification Summary - May 2015. Collection method: clinical testing. Allele origin: germline.
Comment: Variant summary: ERCC6 c.2960T>C (p.Leu987Pro) results in a non-conservative amino acid change located in the C-terminal helicase domain of the SNF family helicases (IPR049730) of the encoded protein sequence. Five of five in-silico tools predict a damaging effect of the variant on protein function. The variant was absent in 250964 control chromosomes. The available data on variant occurrences in the general population are insufficient to allow any conclusion about variant significance. c.2960T>C has been reported in the literature in a compound heterozygous individual affected with Cockayne Syndrome (Laugel_2008). These data do not allow any conclusion about variant significance. To our knowledge, no experimental evidence demonstrating an impact on protein function has been reported. The following publication have been ascertained in the context of this evaluation (PMID: 18628313). ClinVar contains an entry for this variant (Variation ID: 1712). Based on the evidence outlined above, the variant was classified as uncertain significance.

OMIM
Classification: Pathogenic for CEREBROOCULOFACIOSKELETAL SYNDROME 1. Last evaluated: 2008-09-01. Review status: no assertion criteria provided. Collection method: literature only. Allele origin: germline. Not counted in ClinVar's aggregate classification.

Literature cited by the submitters: PubMed 18628313 (cited by 3 submitters).